The following is an entry in ClinVar:

NM_001160148.2(DDHD1):c.1755_1758delinsTAACA (p.Thr586fs)

Gene: DDHD1 (DDHD domain containing 1; minus strand). Cytogenetic location: 14q22.1.
Variant type: Indel.
Coding change: c.1755_1758delinsTAACA on transcript NM_001160148.2 (MANE Select); coding-DNA positions 1755 to 1758, AACT replaced by TAACA.
Protein change: p.Thr586fs; shifts the reading frame from threonine 586.
Molecular consequence: frameshift variant.
Genome position (GRCh38, 1-based): chr14:53,062,951-53,062,954, AGTT replaced by TGTTA on the plus strand (AACT replaced by TAACA on the coding strand, the reverse complement: DDHD1 is on the minus strand). VCF-style: chr14-53062951-AGTT-TGTTA. GRCh37 (hg19) VCF-style: chr14-53529669-AGTT-TGTTA.
Other names: c.1776_1779delinsTAACA, p.Thr593fs (NM_001160147.2); c.1755_1758delinsTAACA, p.Thr586fs (NM_030637.3); short protein forms T586fs, T593fs.
Identifiers: ClinVar variation 2503254 (VCV002503254.1), dbSNP rs2503093700, ClinGen allele CA2580613686.
Genomic context (GRCh38, chr14:53,062,951, plus strand): 5'-AGTAATTCCATAAAGACATTTAAAAATTTTTCAAAAGATGAGGATATTTTACCGTCGTTT[AGTT>TGTTA]ATATAGAGTTCATCAAGAAGATGTCGTTCTTCATAGCTCATCCATCGTTCATCAGGCAAC-3'

ClinVar aggregate classification (germline): Likely pathogenic (1 of 4 stars; one submission).

Submission:

GeneDx
Classification: Likely pathogenic. Last evaluated: 2023-05-23. Review status: criteria provided, single submitter. Criteria: GeneDx Variant Classification Process June 2021. Collection method: clinical testing. Allele origin: germline. Affected: yes.
Comment: Frameshift variant predicted to result in protein truncation or nonsense mediated decay in a gene for which loss-of-function is a known mechanism of disease; Not observed at significant frequency in large population cohorts (gnomAD); Has not been previously published as pathogenic or benign to our knowledge